The following is an entry in ClinVar:

NM_182914.3(SYNE2):c.12287G>A (p.Arg4096Lys)

Gene: SYNE2 (spectrin repeat containing nuclear envelope protein 2; plus strand). Cytogenetic location: 14q23.2.
Variant type: single nucleotide variant.
Coding change: c.12287G>A on transcript NM_182914.3 (MANE Select); coding-DNA position 12287, G replaced by A.
Protein change: p.Arg4096Lys; replaces arginine 4096 with lysine.
Molecular consequence: missense variant.
Genome position (GRCh38, 1-based): chr14:64,098,127, G>A. VCF-style: chr14-64098127-G-A. GRCh37 (hg19) VCF-style: chr14-64564845-G-A.
Other names: c.12287G>A, p.Arg4096Lys (NM_015180.6); short protein forms R4096K.
Identifiers: ClinVar variation 2720888 (VCV002720888.3), dbSNP rs148654815, ClinGen allele CA7222056.

ClinVar aggregate classification (germline): Uncertain significance (1 of 4 stars; one submission).

Conditions:
Emery-Dreifuss muscular dystrophy 5, autosomal dominant (EDMD5). Also called: EMERY-DREIFUSS MUSCULAR DYSTROPHY 5. Identifiers: Orphanet 261, MedGen C2751805, MONDO:0013072, OMIM 612999.

Allele frequency attached by ClinVar (database versions not stated): TOPMed below 0.00001; ExAC 0.00001; gnomAD 0.00001; ESP Exome Variant Server 0.00008.
gnomAD v4.1: 1 of 1,613,986 alleles (0.000062%); highest among the groups gnomAD compares: Non-Finnish European, 0.000085%; no homozygotes.

Submission:

Labcorp Genetics (formerly Invitae), Labcorp
Classification: Uncertain significance for Emery-Dreifuss muscular dystrophy 5, autosomal dominant. Last evaluated: 2026-01-07. Review status: criteria provided, single submitter. Criteria: Invitae Variant Classification Sherloc (09022015). Collection method: clinical testing. Allele origin: germline.
Comment: This sequence change replaces arginine, which is basic and polar, with lysine, which is basic and polar, at codon 4096 of the SYNE2 protein (p.Arg4096Lys). This variant is not present in population databases (gnomAD no frequency). This variant has not been reported in the literature in individuals affected with SYNE2-related conditions. ClinVar contains an entry for this variant (Variation ID: 2720888). An algorithm developed to predict the effect of missense changes on protein structure and function outputs the following: PolyPhen-2: "Benign". The lysine amino acid residue is found in multiple mammalian species, which suggests that this missense change does not adversely affect protein function. In summary, the available evidence is currently insufficient to determine the role of this variant in disease. Therefore, it has been classified as a Variant of Uncertain Significance.